The following is an entry in ClinVar:

ClinVar aggregate classification (germline): Uncertain significance. Review status: criteria provided, multiple submitters, no conflicts (2 of 4 stars). 2 submissions from 2 submitters: Uncertain significance (2). Last evaluated 2024-11-06.

Allele frequency attached by ClinVar (database versions not stated): gnomAD 0.00009 and 0.00011; gnomAD exomes 0.00013 and 0.00024; TOPMed 0.00013; 1000 Genomes Project 30x 0.00016; ExAC 0.00018; 1000 Genomes Project 0.00020; ESP Exome Variant Server 0.00031.
gnomAD v4.1: 361 of 1,613,356 alleles (0.022%); highest among the groups gnomAD compares: Non-Finnish European, 0.029%; no homozygotes.

Submissions (2):

Blueprint Genetics
Classification: Uncertain significance. Last evaluated: 2024-11-06. Review status: criteria provided, single submitter. Criteria: ACMG Guidelines, 2015. Collection method: clinical testing. Allele origin: germline.

Labcorp Genetics (formerly Invitae), Labcorp
Classification: Uncertain significance. Last evaluated: 2022-09-07. Review status: criteria provided, single submitter. Criteria: Invitae Variant Classification Sherloc (09022015). Collection method: clinical testing. Allele origin: germline.
Comment: This sequence change replaces arginine, which is basic and polar, with glutamine, which is neutral and polar, at codon 565 of the GPR179 protein (p.Arg565Gln). This variant is present in population databases (rs182946118, gnomAD 0.03%). This variant has not been reported in the literature in individuals affected with GPR179-related conditions. ClinVar contains an entry for this variant (Variation ID: 1047025). Algorithms developed to predict the effect of missense changes on protein structure and function (SIFT, PolyPhen-2, Align-GVGD) all suggest that this variant is likely to be disruptive. Algorithms developed to predict the effect of sequence changes on RNA splicing suggest that this variant may create or strengthen a splice site. In summary, the available evidence is currently insufficient to determine the role of this variant in disease. Therefore, it has been classified as a Variant of Uncertain Significance.

NM_001004334.4(GPR179):c.1694G>A (p.Arg565Gln)

Gene: GPR179 (G protein-coupled receptor 179; minus strand). Cytogenetic location: 17q12.
Variant type: single nucleotide variant.
Coding change: c.1694G>A on transcript NM_001004334.4 (MANE Select); coding-DNA position 1694, G replaced by A.
Protein change: p.Arg565Gln; replaces arginine 565 with glutamine.
Molecular consequence: missense variant.
Genome position (GRCh38, 1-based): chr17:38,334,794, C>T on the plus strand (G>A on the coding strand, the complement: GPR179 is on the minus strand). VCF-style: chr17-38334794-C-T. GRCh37 (hg19) VCF-style: chr17-36490677-C-T.
Other names: short protein forms R565Q.
Identifiers: ClinVar variation 1047025 (VCV001047025.7), dbSNP rs182946118, ClinGen allele CA290108488.